The following is an entry in ClinVar:

NM_014822.4(SEC24D):c.388A>G (p.Asn130Asp)

Gene: SEC24D (SEC24 homolog D, COPII coat complex component; minus strand). Cytogenetic location: 4q26.
Variant type: single nucleotide variant.
Coding change: c.388A>G on transcript NM_014822.4 (MANE Select); coding-DNA position 388, A replaced by G.
Protein change: p.Asn130Asp; replaces asparagine 130 with aspartic acid.
Molecular consequence: missense variant.
Genome position (GRCh38, 1-based): chr4:118,817,273, T>C on the plus strand (A>G on the coding strand, the complement: SEC24D is on the minus strand). VCF-style: chr4-118817273-T-C. GRCh37 (hg19) VCF-style: chr4-119738428-T-C.
Other names: c.388A>G, p.Asn130Asp (NM_001318066.2); short protein forms N130D.
Identifiers: ClinVar variation 1970666 (VCV001970666.2), dbSNP rs2530251511, ClinGen allele CA358016186.

ClinVar aggregate classification (germline): Uncertain significance (1 of 4 stars; one submission).

Submission:

Labcorp Genetics (formerly Invitae), Labcorp
Classification: Uncertain significance. Last evaluated: 2022-02-28. Review status: criteria provided, single submitter. Criteria: Invitae Variant Classification Sherloc (09022015). Collection method: clinical testing. Allele origin: germline.
Comment: This sequence change replaces asparagine, which is neutral and polar, with aspartic acid, which is acidic and polar, at codon 130 of the SEC24D protein (p.Asn130Asp). This variant is not present in population databases (gnomAD no frequency). This variant has not been reported in the literature in individuals affected with SEC24D-related conditions. Algorithms developed to predict the effect of missense changes on protein structure and function are either unavailable or do not agree on the potential impact of this missense change (SIFT: "Not Available"; PolyPhen-2: "Benign"; Align-GVGD: "Not Available"). In summary, the available evidence is currently insufficient to determine the role of this variant in disease. Therefore, it has been classified as a Variant of Uncertain Significance.